The following is an entry in ClinVar:

NM_001134407.3(GRIN2A):c.3017C>A (p.Ala1006Glu)

Gene: GRIN2A (glutamate ionotropic receptor NMDA type subunit 2A; minus strand). Cytogenetic location: 16p13.2.
Variant type: single nucleotide variant.
Coding change: c.3017C>A on transcript NM_001134407.3 (MANE Select); coding-DNA position 3017, C replaced by A.
Protein change: p.Ala1006Glu; replaces alanine 1006 with glutamic acid.
Molecular consequence: missense variant.
Genome position (GRCh38, 1-based): chr16:9,764,527, G>T on the plus strand (C>A on the coding strand, the complement: GRIN2A is on the minus strand). VCF-style: chr16-9764527-G-T. GRCh37 (hg19) VCF-style: chr16-9858384-G-T.
Other names: c.3017C>A, p.Ala1006Glu (NM_000833.5, NM_001134408.2); short protein forms A1006E.
Identifiers: ClinVar variation 947490 (VCV000947490.10), dbSNP rs200526162, ClinGen allele CA394708844.

ClinVar aggregate classification (germline): Uncertain significance (1 of 4 stars; one submission).

Conditions:
Landau-Kleffner syndrome (FESD). Also called: EPILEPSY, FOCAL, WITH SPEECH DISORDER AND WITH OR WITHOUT MENTAL RETARDATION; APHASIA, ACQUIRED, WITH EPILEPSY. Identifiers: Orphanet 1945, Orphanet 725, Orphanet 98818, MedGen C0282512, MONDO:0009509, OMIM 245570.

gnomAD v4.1: 3 of 1,613,974 alleles (0.00019%); highest among the groups gnomAD compares: Non-Finnish European, 0.00025%; no homozygotes.

Submission:

Labcorp Genetics (formerly Invitae), Labcorp
Classification: Uncertain significance for Landau-Kleffner syndrome. Last evaluated: 2022-07-19. Review status: criteria provided, single submitter. Criteria: Invitae Variant Classification Sherloc (09022015). Collection method: clinical testing. Allele origin: germline.
Comment: This sequence change replaces alanine, which is neutral and non-polar, with glutamic acid, which is acidic and polar, at codon 1006 of the GRIN2A protein (p.Ala1006Glu). This variant is not present in population databases (gnomAD no frequency). This variant has not been reported in the literature in individuals affected with GRIN2A-related conditions. ClinVar contains an entry for this variant (Variation ID: 947490). Advanced modeling of protein sequence and biophysical properties (such as structural, functional, and spatial information, amino acid conservation, physicochemical variation, residue mobility, and thermodynamic stability) performed at Invitae indicates that this missense variant is not expected to disrupt GRIN2A protein function. In summary, the available evidence is currently insufficient to determine the role of this variant in disease. Therefore, it has been classified as a Variant of Uncertain Significance.